The following is an entry in ClinVar:

ClinVar aggregate classification (germline): Uncertain significance (1 of 4 stars; one submission).

Conditions:
Neurodevelopmental disorder with or without hyperkinetic movements and seizures, autosomal dominant. Also called: Intellectual disability, autosomal dominant 8. Identifiers: MedGen C3280282, MONDO:0013655, OMIM 614254.

Submission:

Labcorp Genetics (formerly Invitae), Labcorp
Classification: Uncertain significance for Neurodevelopmental disorder with or without hyperkinetic movements and seizures, autosomal dominant. Last evaluated: 2024-11-11. Review status: criteria provided, single submitter. Criteria: Invitae Variant Classification Sherloc (09022015). Collection method: clinical testing. Allele origin: germline.
Comment: This sequence change replaces arginine, which is basic and polar, with glycine, which is neutral and non-polar, at codon 548 of the GRIN1 protein (p.Arg548Gly). This variant is not present in population databases (gnomAD no frequency). This variant has not been reported in the literature in individuals affected with GRIN1-related conditions. ClinVar contains an entry for this variant (Variation ID: 1512865). Invitae Evidence Modeling of protein sequence and biophysical properties (such as structural, functional, and spatial information, amino acid conservation, physicochemical variation, residue mobility, and thermodynamic stability) has been performed for this missense variant. However, the output from this modeling did not meet the statistical confidence thresholds required to predict the impact of this variant on GRIN1 protein function. This variant disrupts the p.Arg548 amino acid residue in GRIN1. Other variant(s) that disrupt this residue have been determined to be pathogenic (PMID: 29720203, 34884460). This suggests that this residue is clinically significant, and that variants that disrupt this residue are likely to be disease-causing. In summary, the available evidence is currently insufficient to determine the role of this variant in disease. Therefore, it has been classified as a Variant of Uncertain Significance.

Literature cited by the submitters: PubMed 29720203; PubMed 34884460.

NM_007327.4(GRIN1):c.1642C>G (p.Arg548Gly)

Gene: GRIN1 (glutamate ionotropic receptor NMDA type subunit 1; plus strand). Cytogenetic location: 9q34.3.
Variant type: single nucleotide variant.
Coding change: c.1642C>G on transcript NM_007327.4 (MANE Select); coding-DNA position 1642, C replaced by G.
Protein change: p.Arg548Gly; replaces arginine 548 with glycine.
Molecular consequence: missense variant.
Genome position (GRCh38, 1-based): chr9:137,162,181, C>G. VCF-style: chr9-137162181-C-G. GRCh37 (hg19) VCF-style: chr9-140056633-C-G.
Other names: c.1642C>G, p.Arg548Gly (NM_000832.7, NM_021569.4); c.1705C>G, p.Arg569Gly (NM_001185090.2, NM_001185091.2); short protein forms R569G, R548G.
Identifiers: ClinVar variation 1512865 (VCV001512865.8), dbSNP rs1320601315, ClinGen allele CA375717587.
Genomic context (GRCh38, chr9:137,162,181, plus strand): 5'-GGGGGAGTCCCTGGAGGGCCCGGGCCGCGCTGACCTCGCGTCCCTCCGCAGGAGATTCCC[C>G]GGAGCACGCTGGACTCGTTCATGCAGCCGTTCCAGAGCACACTGTGGCTGCTGGTGGGGC-3'
Protein context (NP_015566.1, residues 538-558): LTILVKKEIP[Arg548Gly]STLDSFMQPF